The following is an entry in ClinVar:

ClinVar aggregate classification (germline): Conflicting classifications of pathogenicity. Review status: criteria provided, conflicting classifications (1 of 4 stars). 2 submissions from 2 submitters: Uncertain significance (1); Likely benign (1). Last evaluated 2025-08-14.

Allele frequency attached by ClinVar (database versions not stated): gnomAD exomes below 0.00001 and 0.00001; ExAC 0.00001.
gnomAD v4.1: 1 of 1,208,666 alleles (0.000083%); highest among the groups gnomAD compares: Admixed American, 0.0022%; no homozygotes.

Submissions (2):

Labcorp Genetics (formerly Invitae), Labcorp
Classification: Uncertain significance. Last evaluated: 2025-08-14. Review status: criteria provided, single submitter. Criteria: Invitae Variant Classification Sherloc (09022015). Collection method: clinical testing. Allele origin: germline.
Comment: This sequence change replaces arginine, which is basic and polar, with threonine, which is neutral and polar, at codon 464 of the OPHN1 protein (p.Arg464Thr). This variant is present in population databases (rs753866423, gnomAD 0.004%). This variant has not been reported in the literature in individuals affected with OPHN1-related conditions. ClinVar contains an entry for this variant (Variation ID: 1438725). An algorithm developed to predict the effect of missense changes on protein structure and function (PolyPhen-2) suggests that this variant is likely to be tolerated. In summary, the available evidence is currently insufficient to determine the role of this variant in disease. Therefore, it has been classified as a Variant of Uncertain Significance.

GeneDx
Classification: Likely benign. Last evaluated: 2023-04-13. Review status: criteria provided, single submitter. Criteria: GeneDx Variant Classification Process June 2021. Collection method: clinical testing. Allele origin: germline. Affected: yes.
Comment: See Variant Classification Assertion Criteria.

NM_002547.3(OPHN1):c.1391G>C (p.Arg464Thr)

Gene: OPHN1 (oligophrenin 1; minus strand). Cytogenetic location: Xq12.
Variant type: single nucleotide variant.
Coding change: c.1391G>C on transcript NM_002547.3 (MANE Select); coding-DNA position 1391, G replaced by C.
Protein change: p.Arg464Thr; replaces arginine 464 with threonine.
Molecular consequence: missense variant.
Genome position (GRCh38, 1-based): chrX:68,113,210, C>G on the plus strand (G>C on the coding strand, the complement: OPHN1 is on the minus strand). VCF-style: chrX-68113210-C-G. GRCh37 (hg19) VCF-style: chrX-67333052-C-G.
Other names: short protein forms R464T.
Identifiers: ClinVar variation 1438725 (VCV001438725.10), dbSNP rs753866423, ClinGen allele CA10436913.